The following is an entry in ClinVar:

NM_000018.4(ACADVL):c.1031T>G (p.Met344Arg)

Gene: ACADVL (acyl-CoA dehydrogenase very long chain; plus strand). Cytogenetic location: 17p13.1.
Variant type: single nucleotide variant.
Coding change: c.1031T>G on transcript NM_000018.4 (MANE Select); coding-DNA position 1031, T replaced by G.
Protein change: p.Met344Arg; replaces methionine 344 with arginine.
Molecular consequence: missense variant.
Genome position (GRCh38, 1-based): chr17:7,222,819, T>G. VCF-style: chr17-7222819-T-G. GRCh37 (hg19) VCF-style: chr17-7126138-T-G.
Other names: c.965T>G, p.Met322Arg (NM_001033859.3); c.1100T>G, p.Met367Arg (NM_001270447.2); c.803T>G, p.Met268Arg (NM_001270448.2); short protein forms M268R, M344R, M322R, M367R.
Identifiers: ClinVar variation 1489774 (VCV001489774.8), dbSNP rs2142980587, ClinGen allele CA397724204.
Genomic context (GRCh38, chr17:7,222,819, plus strand): 5'-GTGAGGTTGGGAGTGGCTTCAAGGTTGCCATGCACATCCTCAACAATGGAAGGTTTGGCA[T>G]GGCTGCGGCCCTGGCAGGTACCATGAGAGGCATCATTGCTAAGGCGGTGAGTACCCTGCC-3'
Protein context (NP_000009.1, residues 334-354): MHILNNGRFG[Met344Arg]AAALAGTMRG

ClinVar aggregate classification (germline): Uncertain significance (1 of 4 stars; one submission).

Conditions:
Very long chain acyl-CoA dehydrogenase deficiency (ACADVLD). Also called: VLCAD Deficiency; Very Long-Chain Acyl-Coenzyme A Dehydrogenase Deficiency. Identifiers: Orphanet 26793, MedGen C3887523, MONDO:0008723, OMIM 201475.

Submission:

Labcorp Genetics (formerly Invitae), Labcorp
Classification: Uncertain significance for Very long chain acyl-CoA dehydrogenase deficiency. Last evaluated: 2021-02-15. Review status: criteria provided, single submitter. Criteria: Invitae Variant Classification Sherloc (09022015). Collection method: clinical testing. Allele origin: germline.
Comment: In summary, the available evidence is currently insufficient to determine the role of this variant in disease. Therefore, it has been classified as a Variant of Uncertain Significance. This sequence change replaces methionine with arginine at codon 344 of the ACADVL protein (p.Met344Arg). The methionine residue is highly conserved and there is a moderate physicochemical difference between methionine and arginine. This variant is not present in population databases (ExAC no frequency). This variant has not been reported in the literature in individuals with ACADVL-related conditions. Advanced modeling of protein sequence and biophysical properties (such as structural, functional, and spatial information, amino acid conservation, physicochemical variation, residue mobility, and thermodynamic stability) performed at Invitae indicates that this missense variant is expected to disrupt ACADVL protein function.